The following is an entry in ClinVar:

NM_001244008.2(KIF1A):c.4243C>T (p.Arg1415Trp)

Gene: KIF1A (kinesin family member 1A; minus strand). Cytogenetic location: 2q37.3.
Variant type: single nucleotide variant.
Coding change: c.4243C>T on transcript NM_001244008.2 (MANE Select); coding-DNA position 4243, C replaced by T.
Protein change: p.Arg1415Trp; replaces arginine 1415 with tryptophan.
Molecular consequence: missense variant.
Genome position (GRCh38, 1-based): chr2:240,725,284, G>A on the plus strand (C>T on the coding strand, the complement: KIF1A is on the minus strand). VCF-style: chr2-240725284-G-A. GRCh37 (hg19) VCF-style: chr2-241664701-G-A.
Other names: c.3967C>T, p.Arg1323Trp (NM_001320705.2, NM_001379649.1); c.3994C>T, p.Arg1332Trp (NM_001330289.2); c.4042C>T, p.Arg1348Trp (NM_001330290.2, NM_001379648.1); c.4318C>T, p.Arg1440Trp (NM_001379631.1); c.4219C>T, p.Arg1407Trp (NM_001379632.1); c.4216C>T, p.Arg1406Trp (NM_001379633.1, NM_001379645.1); c.4069C>T, p.Arg1357Trp (NM_001379634.1); c.4066C>T, p.Arg1356Trp (NM_001379635.1, NM_001379646.1); and 7 more; short protein forms R1415W, R1314W, R1323W, R1332W, R1348W, R1313W, R1322W, R1331W.
Identifiers: ClinVar variation 579656 (VCV000579656.9), dbSNP rs1559479236, ClinGen allele CA351306754.

ClinVar aggregate classification (germline): Uncertain significance (1 of 4 stars; one submission).

Conditions:
Neuropathy, hereditary sensory, type 2C. Also called: KIF1A-Related HSAN2 (HSAN2C); Hereditary sensory and autonomic neuropathy type IIC. Identifiers: Orphanet 970, MedGen C3280168, MONDO:0013634, OMIM 614213.
Intellectual disability, autosomal dominant 9 (NESCAVS). Also called: NESCAV SYNDROME; KIF1A-Related Neurodevelopmental Disorder. Identifiers: Orphanet 662367, MedGen C5393830, MONDO:0013656, OMIM 614255.
Hereditary spastic paraplegia 30. Identifiers: Orphanet 101010, MedGen C5235139, MONDO:0012476.

Allele frequency attached by ClinVar (database versions not stated): gnomAD exomes below 0.00001; gnomAD 0.00001; TOPMed 0.00001.
gnomAD v4.1: 3 of 1,604,426 alleles (0.00019%); highest among the groups gnomAD compares: Admixed American, 0.0017%; no homozygotes.

Submission:

Labcorp Genetics (formerly Invitae), Labcorp
Classification: Uncertain significance for Hereditary spastic paraplegia 30; Neuropathy, hereditary sensory, type 2C; Intellectual disability, autosomal dominant 9. Last evaluated: 2018-04-25. Review status: criteria provided, single submitter. Criteria: Invitae Variant Classification Sherloc (09022015). Collection method: clinical testing. Allele origin: germline.
Comment: This variant has not been reported in the literature in individuals with KIF1A-related disease. Algorithms developed to predict the effect of missense changes on protein structure and function do not agree on the potential impact of this missense change (SIFT: "Deleterious"; PolyPhen-2: "Possibly Damaging"; Align-GVGD: "Class C0"). In summary, the available evidence is currently insufficient to determine the role of this variant in disease. Therefore, it has been classified as a Variant of Uncertain Significance. This sequence change replaces arginine with tryptophan at codon 1314 of the KIF1A protein (p.Arg1314Trp). The arginine residue is highly conserved and there is a moderate physicochemical difference between arginine and tryptophan. This variant is not present in population databases (ExAC no frequency).